The following is an entry in ClinVar:

NM_152564.5(VPS13B):c.2825G>T (p.Gly942Val)

Gene: VPS13B (vacuolar protein sorting 13 homolog B; plus strand). Cytogenetic location: 8q22.2.
Variant type: single nucleotide variant.
Coding change: c.2825G>T on transcript NM_152564.5 (MANE Select); coding-DNA position 2825, G replaced by T.
Protein change: p.Gly942Val; replaces glycine 942 with valine.
Molecular consequence: missense variant.
Genome position (GRCh38, 1-based): chr8:99,384,208, G>T. VCF-style: chr8-99384208-G-T. GRCh37 (hg19) VCF-style: chr8-100396436-G-T.
Other names: c.2825G>T, p.Gly942Val (NM_017890.5); short protein forms G942V.
Identifiers: ClinVar variation 4995401 (VCV004995401.1).

ClinVar aggregate classification (germline): Uncertain significance (1 of 4 stars; one submission).

Conditions:
VPS13B-related disorder. Also called: VPS13B-related condition.

gnomAD v4.1: 1 of 1,612,918 alleles (0.000062%); highest among the groups gnomAD compares: Admixed American, 0.0017%; no homozygotes.

Submission:

PreventionGenetics, part of Exact Sciences
Classification: Uncertain significance for VPS13B-related condition. Last evaluated: 2026-07-28. Review status: criteria provided, single submitter. Criteria: ACMG Guidelines, 2015. Collection method: clinical testing. Allele origin: germline.
Comment: The VPS13B c.2825G>T variant is predicted to result in the amino acid substitution p.Gly942Val. To our knowledge, this variant has not been reported in the literature. This variant is reported in 0.0029% of alleles in individuals of Latino descent in gnomAD. At this time, the clinical significance of this variant is uncertain due to the absence of conclusive functional and genetic evidence.